The following is an entry in ClinVar:

ClinVar aggregate classification (germline): Uncertain significance (1 of 4 stars; one submission).

gnomAD v4.1: 1 of 1,611,132 alleles (0.000062%); highest among the groups gnomAD compares: Non-Finnish European, 0.000085%; no homozygotes.

Submission:

GeneDx
Classification: Uncertain significance. Last evaluated: 2024-06-24. Review status: criteria provided, single submitter. Criteria: GeneDx Variant Classification Process June 2021. Collection method: clinical testing. Allele origin: germline. Affected: yes.
Comment: Not observed at significant frequency in large population cohorts (gnomAD); In silico analysis indicates that this missense variant does not alter protein structure/function; Has not been previously published as pathogenic or benign to our knowledge; This substitution is predicted to be within the extracellular loop between the S5 and S6 transmembrane segments of the first homologous domain

NM_001330260.2(SCN8A):c.925A>G (p.Lys309Glu)

Gene: SCN8A (sodium voltage-gated channel alpha subunit 8; plus strand). Cytogenetic location: 12q13.13.
Variant type: single nucleotide variant.
Coding change: c.925A>G on transcript NM_001330260.2 (MANE Select); coding-DNA position 925, A replaced by G.
Protein change: p.Lys309Glu; replaces lysine 309 with glutamic acid.
Molecular consequence: missense variant.
Genome position (GRCh38, 1-based): chr12:51,699,788, A>G. VCF-style: chr12-51699788-A-G. GRCh37 (hg19) VCF-style: chr12-52093572-A-G.
Other names: c.925A>G, p.Lys309Glu (NM_001177984.3, NM_001369788.1, NM_014191.4); short protein forms K309E.
Identifiers: ClinVar variation 3392730 (VCV003392730.1).